The following is an entry in ClinVar:

NM_000018.4(ACADVL):c.68G>T (p.Arg23Leu)

Genes: ACADVL (acyl-CoA dehydrogenase very long chain; plus strand), LOC130060113 (ATAC-STARR-seq lymphoblastoid silent region 8088; plus strand). Cytogenetic location: 17p13.1.
Variant type: single nucleotide variant.
Coding change: c.68G>T on transcript NM_000018.4 (MANE Select); coding-DNA position 68, G replaced by T.
Protein change: p.Arg23Leu; replaces arginine 23 with leucine.
Molecular consequence: missense variant. On other transcripts: 5 prime UTR variant (1).
Genome position (GRCh38, 1-based): chr17:7,220,127, G>T. VCF-style: chr17-7220127-G-T. GRCh37 (hg19) VCF-style: chr17-7123446-G-T.
Other names: c.68G>T, p.Arg23Leu (NM_001033859.3); c.137G>T, p.Arg46Leu (NM_001270447.2); c.-161G>T (NM_001270448.2); short protein forms R23L, R46L.
Identifiers: ClinVar variation 1515846 (VCV001515846.3), dbSNP rs34153370, ClinGen allele CA397722029.
Genomic context (GRCh38, chr17:7,220,127, plus strand): 5'-ACGGTGGGCAGCGGCCCTGGGCACCGGGCCGGCACTGAACCCCCACTCCCCACAGCTCGC[G>T]GCTCACGGCGCTCCTGGGGCAGCCCCGGCCCGGCCCTGCCCGGCGGCCCTATGCCGGGGG-3'
Protein context (NP_000009.1, residues 13-33): QLLRLGGGSS[Arg23Leu]LTALLGQPRP

ClinVar aggregate classification (germline): Uncertain significance (1 of 4 stars; one submission).

Conditions:
Very long chain acyl-CoA dehydrogenase deficiency (ACADVLD). Also called: Very Long-Chain Acyl-Coenzyme A Dehydrogenase Deficiency; VLCAD Deficiency. Identifiers: Orphanet 26793, MedGen C3887523, MONDO:0008723, OMIM 201475.

Submission:

Labcorp Genetics (formerly Invitae), Labcorp
Classification: Uncertain significance for Very long chain acyl-CoA dehydrogenase deficiency. Last evaluated: 2021-12-02. Review status: criteria provided, single submitter. Criteria: Invitae Variant Classification Sherloc (09022015). Collection method: clinical testing. Allele origin: germline.
Comment: This sequence change replaces arginine, which is basic and polar, with leucine, which is neutral and non-polar, at codon 23 of the ACADVL protein (p.Arg23Leu). This variant is not present in population databases (gnomAD no frequency). This variant has not been reported in the literature in individuals affected with ACADVL-related conditions. Algorithms developed to predict the effect of missense changes on protein structure and function are either unavailable or do not agree on the potential impact of this missense change (SIFT: "Tolerated"; PolyPhen-2: "Not Available"; Align-GVGD: "Class C0"). In summary, the available evidence is currently insufficient to determine the role of this variant in disease. Therefore, it has been classified as a Variant of Uncertain Significance.